The following is an entry in ClinVar:

ClinVar aggregate classification (germline): Uncertain significance (1 of 4 stars; one submission).

Conditions:
Immunodeficiency, common variable, 10. Also called: IMMUNODEFICIENCY, COMMON VARIABLE, WITH CENTRAL ADRENAL INSUFFICIENCY; DEFICIT IN ANTERIOR PITUITARY FUNCTION AND VARIABLE IMMUNODEFICIENCY. Identifiers: MedGen C3809991, MONDO:0014260, OMIM 615577.

Allele frequency attached by ClinVar (database versions not stated): gnomAD 0.00001; gnomAD exomes 0.00001 and 0.00002; TOPMed 0.00002.
gnomAD v4.1: 7 of 1,613,752 alleles (0.00043%); highest among the groups gnomAD compares: Admixed American, 0.012%; no homozygotes.

Submission:

Labcorp Genetics (formerly Invitae), Labcorp
Classification: Uncertain significance for Immunodeficiency, common variable, 10. Last evaluated: 2024-10-16. Review status: criteria provided, single submitter. Criteria: Invitae Variant Classification Sherloc (09022015). Collection method: clinical testing. Allele origin: germline.
Comment: This sequence change replaces leucine, which is neutral and non-polar, with proline, which is neutral and non-polar, at codon 555 of the NFKB2 protein (p.Leu555Pro). This variant is present in population databases (no rsID available, gnomAD 0.01%). This variant has not been reported in the literature in individuals affected with NFKB2-related conditions. ClinVar contains an entry for this variant (Variation ID: 1438219). An algorithm developed to predict the effect of missense changes on protein structure and function (PolyPhen-2) suggests that this variant is likely to be disruptive. In summary, the available evidence is currently insufficient to determine the role of this variant in disease. Therefore, it has been classified as a Variant of Uncertain Significance.

NM_001322934.2(NFKB2):c.1664T>C (p.Leu555Pro)

Gene: NFKB2 (nuclear factor kappa B subunit 2; plus strand). Cytogenetic location: 10q24.32.
Variant type: single nucleotide variant.
Coding change: c.1664T>C on transcript NM_001322934.2 (MANE Select); coding-DNA position 1664, T replaced by C.
Protein change: p.Leu555Pro; replaces leucine 555 with proline.
Molecular consequence: missense variant.
Genome position (GRCh38, 1-based): chr10:102,400,357, T>C. VCF-style: chr10-102400357-T-C. GRCh37 (hg19) VCF-style: chr10-104160114-T-C.
Other names: c.1664T>C, p.Leu555Pro (NM_001077494.3, NM_001261403.3, NM_001288724.1 and 1 more transcripts); c.1538T>C, p.Leu513Pro (NM_001322935.1); short protein forms L555P, L513P.
Identifiers: ClinVar variation 1438219 (VCV001438219.8), dbSNP rs1047108117, ClinGen allele CA212217715.